The following is an entry in ClinVar:

ClinVar aggregate classification (germline): Uncertain significance (1 of 4 stars; one submission).

Allele frequency attached by ClinVar (database versions not stated): TOPMed 0.00004.
gnomAD v4.1: 1 of 1,078,508 alleles (0.000093%); highest among the groups gnomAD compares: African/African-American, 0.0016%; no homozygotes.

Submission:

Women's Health and Genetics/Laboratory Corporation of America, LabCorp
Classification: Uncertain significance. Last evaluated: 2021-04-23. Review status: criteria provided, single submitter. Criteria: LabCorp Variant Classification Summary - May 2015. Collection method: clinical testing. Allele origin: germline.
Comment: Variant summary: MSTO1 c.44A>G (p.His15Arg) results in a non-conservative amino acid change located in the Misato Segment II tubulin-like domain of the encoded protein sequence. Four of five in-silico tools predict a damaging effect of the variant on protein function. The variant was absent in 119222 control chromosomes (gnomAD). The available data on variant occurrences in the general population are insufficient to allow any conclusion about variant significance. To our knowledge, no occurrence of c.44A>G in individuals affected with Mitochondrial Myopathy-Cerebellar Ataxia-Pigmentary Retinopathy Syndrome and no experimental evidence demonstrating its impact on protein function have been reported. No clinical diagnostic laboratories have submitted clinical-significance assessments for this variant to ClinVar after 2014. Based on the evidence outlined above, the variant was classified as uncertain significance.

NM_018116.4(MSTO1):c.44A>G (p.His15Arg)

Gene: MSTO1 (misato mitochondrial distribution and morphology regulator 1; plus strand). Cytogenetic location: 1q22.
Variant type: single nucleotide variant.
Coding change: c.44A>G on transcript NM_018116.4 (MANE Select); coding-DNA position 44, A replaced by G.
Protein change: p.His15Arg; replaces histidine 15 with arginine.
Molecular consequence: missense variant. On other transcripts: 5 prime UTR variant (14), non-coding transcript variant (6).
Genome position (GRCh38, 1-based): chr1:155,610,292, A>G. VCF-style: chr1-155610292-A-G. GRCh37 (hg19) VCF-style: chr1-155580083-A-G.
Other names: c.44A>G, p.His15Arg (NM_001256532.1, NM_001256533.1, NM_001350772.1 and 3 more transcripts); c.-244A>G (NM_001350776.1); c.-513A>G (NM_001350777.1); c.-577A>G (NM_001350778.1); c.-518A>G (NM_001350779.1); c.-629A>G (NM_001350780.1); c.-1030A>G (NM_001350781.1); c.-555A>G (NM_001350782.1, NM_001350783.1, NM_001350786.1 and 1 more transcripts); and 4 more; short protein forms H15R.
Identifiers: ClinVar variation 1098810 (VCV001098810.1), dbSNP rs926774989, ClinGen allele CA30936257.